The following is an entry in ClinVar:

ClinVar aggregate classification (germline): Uncertain significance. Review status: criteria provided, multiple submitters, no conflicts (2 of 4 stars). 2 submissions from 2 submitters: Uncertain significance (2). Last evaluated 2024-10-15.

Conditions:
Hereditary cancer-predisposing syndrome. Also called: Hereditary Cancer Syndrome; Hereditary neoplastic syndrome; Neoplastic Syndromes, Hereditary; Tumor predisposition. Identifiers: Orphanet 140162, MedGen C0027672, MeSH D009386, MONDO:0015356.

Allele frequency attached by ClinVar (database versions not stated): gnomAD exomes below 0.00001; ExAC 0.00001.
gnomAD v4.1: 2 of 1,614,190 alleles (0.00012%); highest among the groups gnomAD compares: Non-Finnish European, 0.00017%; no homozygotes.

Submissions (2):

Labcorp Genetics (formerly Invitae), Labcorp
Classification: Uncertain significance. Last evaluated: 2024-10-15. Review status: criteria provided, single submitter. Criteria: Invitae Variant Classification Sherloc (09022015). Collection method: clinical testing. Allele origin: germline.
Comment: This sequence change replaces tyrosine, which is neutral and polar, with phenylalanine, which is neutral and non-polar, at codon 229 of the MSH3 protein (p.Tyr229Phe). This variant is present in population databases (rs762737443, gnomAD 0.0009%). This variant has not been reported in the literature in individuals affected with MSH3-related conditions. ClinVar contains an entry for this variant (Variation ID: 1435042). An algorithm developed to predict the effect of missense changes on protein structure and function (PolyPhen-2) suggests that this variant is likely to be tolerated. In summary, the available evidence is currently insufficient to determine the role of this variant in disease. Therefore, it has been classified as a Variant of Uncertain Significance.

Ambry Genetics
Classification: Uncertain significance for Hereditary cancer-predisposing syndrome. Last evaluated: 2023-10-16. Review status: criteria provided, single submitter. Criteria: Ambry Variant Classification Scheme 2023. Collection method: clinical testing. Allele origin: germline.
Comment: The p.Y229F variant (also known as c.686A>T), located in coding exon 4 of the MSH3 gene, results from an A to T substitution at nucleotide position 686. The tyrosine at codon 229 is replaced by phenylalanine, an amino acid with highly similar properties. This amino acid position is conserved. In addition, the in silico prediction for this alteration is inconclusive. Since supporting evidence is limited at this time, the clinical significance of this alteration remains unclear.

NM_002439.5(MSH3):c.686A>T (p.Tyr229Phe)

Gene: MSH3 (mutS homolog 3; plus strand). Cytogenetic location: 5q14.1.
Variant type: single nucleotide variant.
Coding change: c.686A>T on transcript NM_002439.5 (MANE Select); coding-DNA position 686, A replaced by T.
Protein change: p.Tyr229Phe; replaces tyrosine 229 with phenylalanine.
Molecular consequence: missense variant.
Genome position (GRCh38, 1-based): chr5:80,670,203, A>T. VCF-style: chr5-80670203-A-T. GRCh37 (hg19) VCF-style: chr5-79966022-A-T.
Other names: c.686A>T (NM_002439.3); short protein forms Y229F.
Identifiers: ClinVar variation 1435042 (VCV001435042.7), dbSNP rs762737443, ClinGen allele CA3327675.